The following is an entry in ClinVar:

NC_000016.10:g.10876635C>T

Gene: CIITA (class II major histocompatibility complex transactivator; plus strand). Cytogenetic location: 16p13.13.
Variant type: single nucleotide variant.
Genome position: GRCh38 VCF-style: chr16-10876635-C-T. GRCh37 (hg19) VCF-style: chr16-10970492-C-T.
Identifiers: ClinVar variation 102953 (VCV000102953.2), dbSNP rs199476055, ClinGen allele CA229916.

ClinVar aggregate classification (germline): not provided (0 of 4 stars; one submission).

Allele frequency attached by ClinVar (database versions not stated): TOPMed 0.00090; 1000 Genomes Project 0.00100.
gnomAD v4.1: 142 of 152,276 alleles (0.093%); highest among the groups gnomAD compares: Middle Eastern, 0.34%; no homozygotes.

Submission:

Human Evolutionary Genetics, Institut Pasteur
No classification provided. Review status: no classification provided. Collection method: not provided. Allele origin: germline.
ClinVar note: Converted during submission from untested to not provided.